The following is an entry in ClinVar:

ClinVar aggregate classification (germline): Likely pathogenic (1 of 4 stars; one submission).

Conditions:
Intellectual disability-microcephaly-strabismus-behavioral abnormalities syndrome. Also called: White-Sutton Syndrome. Identifiers: Orphanet 468678, MedGen C4225351, MONDO:0014606, OMIM 616364.

Submission:

Laboratorio de Genetica e Diagnostico Molecular, Hospital Israelita Albert Einstein
Classification: Likely pathogenic for Intellectual disability-microcephaly-strabismus-behavioral abnormalities syndrome. Last evaluated: 2025-10-15. Review status: criteria provided, single submitter. Criteria: ACMG Guidelines, 2015. Collection method: clinical testing. Allele origin: germline. Affected: yes.
Comment: ACMG classification criteria: PVS1 very strong, PM2 supporting

NM_015100.4(POGZ):c.1558dup (p.Asp520fs)

Gene: POGZ (pogo transposable element derived with ZNF domain; minus strand). Cytogenetic location: 1q21.3.
Variant type: Duplication.
Coding change: c.1558dup on transcript NM_015100.4 (MANE Select); coding-DNA position 1558, one base duplicated (G; older notation c.1558dupG).
Protein change: p.Asp520fs; shifts the reading frame from aspartic acid 520.
Molecular consequence: frameshift variant.
Genome position (GRCh38, 1-based): chr1:151,423,517, C duplicated on the plus strand (G on the coding strand, the reverse complement: POGZ is on the minus strand). VCF-style (leftmost placement, unchanged base first): chr1-151423516-T-TC. GRCh37 (hg19) VCF-style: chr1-151395992-T-TC.
Other names: c.1531dup, p.Asp511fs (NM_001194937.2); c.1372dup, p.Asp458fs (NM_001194938.2); c.1579dup, p.Asp527fs (NM_001410860.1); c.1273dup, p.Asp425fs (NM_145796.4); c.1399dup, p.Asp467fs (NM_207171.2); short protein forms D425fs, D458fs, D467fs, D511fs, D520fs, D527fs.
Identifiers: ClinVar variation 4846898 (VCV004846898.1).
Genomic context (GRCh38, chr1:151,423,516, plus strand): 5'-GAAAACTGGCGGTAACAGTGCTGGCAGATAGTGTGACCATCTACCTCACCGTTCTGCTGA[T>TC]CGAGTTCTACGTGGTGTTTCATATGGTTCATGAATCTGTAATAAAGCACAAAGAGAAAGT-3'